The following is an entry in ClinVar:

ClinVar aggregate classification (germline): Conflicting classifications of pathogenicity. Review status: criteria provided, conflicting classifications (1 of 4 stars). 15 submissions from 15 submitters: Uncertain significance (12); Likely benign (2). 1 of the submissions does not count toward it. Last evaluated 2026-05-12.

Conditions:
ATM-related disorder. Also called: ATM-related disorders; ATM-related condition.
Hereditary cancer-predisposing syndrome. Also called: Neoplastic Syndromes, Hereditary; Tumor predisposition; Hereditary Cancer Syndrome; Hereditary neoplastic syndrome. Identifiers: Orphanet 140162, MedGen C0027672, MeSH D009386, MONDO:0015356.
Ataxia-telangiectasia syndrome (AT). Also called: LOUIS-BAR SYNDROME; Cerebello-oculocutaneous telangiectasia; Immunodeficiency with ataxia telangiectasia; Ataxia-telangiectasia, complementation group D; Ataxia-telangiectasia, complementation group E; Ataxia telangiectasia (A-T). Identifiers: Orphanet 100, MedGen C0004135, MONDO:0008840, OMIM 208900.
Familial cancer of breast. Also called: hereditary breast carcinoma; Hereditary breast cancer; BREAST CANCER, FAMILIAL. Identifiers: Orphanet 227535, MedGen C0346153, MONDO:0016419, OMIM 114480. Disease mechanism: loss of function.

Allele frequency attached by ClinVar (database versions not stated): gnomAD exomes 0.00001 and 0.00002; ExAC 0.00002; gnomAD 0.00019 and 0.00021; TOPMed 0.00020; ESP Exome Variant Server 0.00023.

Submissions (15):

Women's Health and Genetics/Laboratory Corporation of America, LabCorp
Classification: Uncertain significance. Last evaluated: 2026-05-12. Review status: criteria provided, single submitter. Criteria: LabCorp Variant Classification Summary - May 2015. Collection method: clinical testing. Allele origin: germline.
Comment: Variant summary: ATM c.5489T>C (p.Met1830Thr) results in a non-conservative amino acid change in the encoded protein sequence. Algorithms developed to predict the effect of missense changes on protein structure and function are either unavailable or do not agree on the potential impact of this missense change. The variant allele was found at a frequency of 1.6e-05 in 250720 control chromosomes (gnomAD). The available data on variant occurrences in the general population are insufficient to allow any conclusion about variant significance. c.5489T>C has not been reported in individuals affected with Breast Cancer and no experimental evidence demonstrating an impact on protein function has been reported. The following publications have been ascertained in the context of this evaluation (PMID: 36117189, 36315919). ClinVar contains an entry for this variant (Variation ID: 127408). Based on the evidence outlined above, the variant was classified as uncertain significance.

PreventionGenetics, part of Exact Sciences
Classification: Uncertain significance for ATM-related condition. Last evaluated: 2026-01-21. Review status: criteria provided, single submitter. Criteria: ACMG Guidelines, 2015. Collection method: clinical testing. Allele origin: germline.
Comment: The ATM c.5489T>C variant is predicted to result in the amino acid substitution p.Met1830Thr. This variant has been reported as a polymorphism in a breast cancer cohort study (Table 2, Bozhanov et al. 2010. PubMed ID: 20177704). It  is reported in 0.040% of alleles in individuals of African descent in gnomAD and conflicting interpretations ranging from likely benign to uncertain in ClinVar (ClinVar ID: 127408). At this time, the clinical significance of this variant is uncertain due to the absence of conclusive functional and genetic evidence.

Labcorp Genetics (formerly Invitae), Labcorp
Classification: Uncertain significance for Ataxia-telangiectasia syndrome. Last evaluated: 2025-11-17. Review status: criteria provided, single submitter. Criteria: Invitae Variant Classification Sherloc (09022015). Collection method: clinical testing. Allele origin: germline.
Comment: This sequence change replaces methionine, which is neutral and non-polar, with threonine, which is neutral and polar, at codon 1830 of the ATM protein (p.Met1830Thr). This variant is present in population databases (rs145812395, gnomAD 0.04%). This variant has not been reported in the literature in individuals affected with ATM-related conditions. ClinVar contains an entry for this variant (Variation ID: 127408). Invitae Evidence Modeling of protein sequence and biophysical properties (such as structural, functional, and spatial information, amino acid conservation, physicochemical variation, residue mobility, and thermodynamic stability) indicates that this missense variant is not expected to disrupt ATM protein function with a negative predictive value of 95%. In summary, the available evidence is currently insufficient to determine the role of this variant in disease. Therefore, it has been classified as a Variant of Uncertain Significance.

Athena Diagnostics
Classification: Likely benign. Last evaluated: 2025-07-24. Review status: criteria provided, single submitter. Criteria: Athena Diagnostics Criteria. Collection method: clinical testing. Allele origin: unknown.
Comment: The frequency of this variant in the general population is higher than would generally be expected for pathogenic variants in this gene. Computational tools predict this amino acid change may be benign.

Ambry Genetics
Classification: Uncertain significance for Hereditary cancer-predisposing syndrome. Last evaluated: 2025-06-06. Review status: criteria provided, single submitter. Criteria: Ambry Variant Classification Scheme 2023. Collection method: clinical testing. Allele origin: germline.
Comment: The p.M1830T variant (also known as c.5489T>C), located in coding exon 35 of the ATM gene, results from a T to C substitution at nucleotide position 5489. The methionine at codon 1830 is replaced by threonine, an amino acid with similar properties. This amino acid position is well conserved in available vertebrate species. In addition, the in silico prediction for this alteration is inconclusive. Based on the available evidence, the clinical significance of this variant remains unclear.

GeneDx
Classification: Uncertain significance. Last evaluated: 2024-09-11. Review status: criteria provided, single submitter. Criteria: GeneDx Variant Classification Process June 2021. Collection method: clinical testing. Allele origin: germline. Affected: yes.
Comment: In silico analysis indicates that this missense variant does not alter protein structure/function; Identified in an individual with non-neoplastic hematologic disease (PMID: 36315919); This variant is associated with the following publications: (PMID: 20177704, 36315919, 36117189)

Myriad Genetics, Inc.
Classification: Likely benign for Familial cancer of breast. Last evaluated: 2024-05-23. Review status: criteria provided, single submitter. Criteria: Myriad Autosomal Dominant, Autosomal Recessive and X-Linked Classification Criteria (2023). Collection method: clinical testing. Allele origin: unknown.
Comment: This variant is considered likely benign. This variant is strongly associated with less severe personal and family histories of cancer, typical for individuals without pathogenic variants in this gene [PMID: 25085752].

Mendelics
Classification: Uncertain significance for Hereditary cancer-predisposing syndrome. Last evaluated: 2024-03-27. Review status: criteria provided, single submitter. Criteria: ACMG Guidelines, 2015. Collection method: clinical testing. Allele origin: unknown.

Fulgent Genetics
Classification: Uncertain significance for Familial cancer of breast; Ataxia-telangiectasia syndrome. Last evaluated: 2023-12-28. Review status: criteria provided, single submitter. Criteria: ACMG Guidelines, 2015. Collection method: clinical testing. Allele origin: germline.

Baylor Genetics
Classification: Uncertain significance for Familial cancer of breast. Last evaluated: 2023-10-16. Review status: criteria provided, single submitter. Criteria: ACMG Guidelines, 2015. Collection method: clinical testing. Allele origin: unknown.

Color Diagnostics, LLC DBA Color Health
Classification: Uncertain significance for Hereditary cancer-predisposing syndrome. Last evaluated: 2023-02-06. Review status: criteria provided, single submitter. Criteria: ACMG Guidelines, 2015. Collection method: clinical testing. Allele origin: germline.
Comment: This missense variant replaces methionine with threonine at codon 1830 of the ATM protein. Computational prediction suggests that this variant may not impact protein structure and function (internally defined REVEL score threshold <= 0.5, PMID: 27666373). To our knowledge, functional studies have not been reported for this variant. This variant has not been reported in individuals affected with ATM-related disorders in the literature. This variant has been identified in 10/282110 chromosomes in the general population by the Genome Aggregation Database (gnomAD). The available evidence is insufficient to determine the role of this variant in disease conclusively. Therefore, this variant is classified as a Variant of Uncertain Significance.

Sema4
Classification: Uncertain significance for Hereditary cancer-predisposing syndrome. Last evaluated: 2021-07-30. Review status: criteria provided, single submitter. Criteria: Sema4 Curation Guidelines. Collection method: curation. Allele origin: germline.
Comment: The ATM c.5489T>C (p.M1830T) variant has not been reported in the literature to our knowledge. It was observed in 10/24952 chromosomes of the African/African American subpopulation, with no homozygotes, in the large and broad cohorts of the Genome Aggregation Database (PMID: 32461654). The variant has been reported in ClinVar (Variation ID 127408). Functional studies have not been performed, and in silico predictions of the variant's effect on protein function are inconclusive. The evidence is insufficient to meet ACMG/AMP criteria for classifying the variant as benign or pathogenic. Thus, the clinical significance of this variant is currently uncertain.

ARUP Laboratories, Molecular Genetics and Genomics, ARUP Laboratories
Classification: Uncertain significance. Last evaluated: 2020-03-20. Review status: criteria provided, single submitter. Criteria: ARUP Molecular Germline Variant Investigation Process. Collection method: clinical testing. Allele origin: germline.
Comment: The ATM c.5489T>C; p.Met1830Thr variant (rs145812395), to our knowledge, is not reported in the medical literature but is reported in the ClinVar database (Variation ID: 127408). This variant is found in the general population with an overall allele frequency of 0.004% (10/282110 alleles) in the Genome Aggregation Database. The methionine at codon 1830 is weakly conserved, but computational analyses (SIFT: Damaging, PolyPhen-2: Benign) predict conflicting effects of this variant on protein structure/function. Due to limited information, the clinical significance of this variant is uncertain at this time.

Center for Genomics, Ann and Robert H. Lurie Children's Hospital of Chicago
Classification: Uncertain significance for Ataxia-telangiectasia syndrome; Familial cancer of breast. Review status: criteria provided, single submitter. Criteria: ACMG Guidelines, 2015. Collection method: clinical testing. Allele origin: germline.
Comment: ATM NM_000051.3 exon 36 p.Met1830Thr (c.5489T>C): This variant has not been reported in the literature but is present in 0.04% (10/24952) of African alleles in the Genome Aggregation Database. This variant is present in ClinVar (Variation ID:127408). Evolutionary conservation suggests that this variant may not impact the protein; computational predictive tools for this variant are unclear. In summary, data on this variant is insufficient for disease classification. Therefore, the clinical significance of this variant is uncertain.

Natera, Inc.
Classification: Uncertain significance for Ataxia-telangiectasia. Last evaluated: 2020-09-16. Review status: no assertion criteria provided. Collection method: clinical testing. Allele origin: germline. Not counted in ClinVar's aggregate classification.

Literature cited by the submitters: PubMed 36315919 (cited by Women's Health and Genetics/Laboratory Corporation of America, LabCorp and Athena Diagnostics); PubMed 36117189 (cited by Women's Health and Genetics/Laboratory Corporation of America, LabCorp and Athena Diagnostics); PubMed 32300177 (cited by Athena Diagnostics); PubMed 38153744 (cited by Athena Diagnostics); PubMed 32832836 (cited by Athena Diagnostics); PubMed 28569743 (cited by Athena Diagnostics); PubMed 25085752 (cited by Myriad Genetics, Inc.).

NM_000051.4(ATM):c.5489T>C (p.Met1830Thr)

Gene: ATM (ATM serine/threonine kinase; plus strand). Cytogenetic location: 11q22.3.
Variant type: single nucleotide variant.
Coding change: c.5489T>C on transcript NM_000051.4 (MANE Select); coding-DNA position 5489, T replaced by C.
Protein change: p.Met1830Thr; replaces methionine 1830 with threonine.
Molecular consequence: missense variant.
Genome position (GRCh38, 1-based): chr11:108,303,022, T>C. VCF-style: chr11-108303022-T-C. GRCh37 (hg19) VCF-style: chr11-108173749-T-C.
Other names: p.M1830T:ATG>ACG; c.5489T>C, p.Met1830Thr (NM_001351834.2); short protein forms M1830T.
Identifiers: ClinVar variation 127408 (VCV000127408.51), dbSNP rs145812395, ClinGen allele CA286894.